The following is an entry in ClinVar:

NM_001113378.2(FANCI):c.1698+6G>T

Gene: FANCI (FA complementation group I; plus strand). Cytogenetic location: 15q26.1.
Variant type: single nucleotide variant.
Coding change: c.1698+6G>T on transcript NM_001113378.2 (MANE Select); 6 bases into the intron after coding-DNA position 1698, G replaced by T.
Molecular consequence: intron variant.
Genome position (GRCh38, 1-based): chr15:89,283,256, G>T. VCF-style: chr15-89283256-G-T. GRCh37 (hg19) VCF-style: chr15-89826487-G-T.
Other names: c.1698+6G>T (NM_018193.3, NM_001376911.1); c.1419+6G>T (NM_001376910.1).
Identifiers: ClinVar variation 1014452 (VCV001014452.5), dbSNP rs762886638, ClinGen allele CA7723098.

ClinVar aggregate classification (germline): Uncertain significance. Review status: criteria provided, multiple submitters, no conflicts (2 of 4 stars). 2 submissions from 2 submitters: Uncertain significance (2). Last evaluated 2022-10-31.

Conditions:
Fanconi anemia (FA). Also called: Fanconi's anemia. Identifiers: Orphanet 84, MedGen C0015625, MeSH D005199, MONDO:0019391.
Fanconi anemia complementation group I (FANCI). Also called: FANCI-Related Fanconi Anemia. Identifiers: Orphanet 84, MedGen C1836861, MONDO:0012186, OMIM 609053.

Allele frequency attached by ClinVar (database versions not stated): gnomAD exomes below 0.00001; ExAC 0.00001; gnomAD 0.00001; TOPMed 0.00003.
gnomAD v4.1: 2 of 1,613,850 alleles (0.00012%); highest among the groups gnomAD compares: African/African-American, 0.0027%; no homozygotes.

Submissions (2):

Labcorp Genetics (formerly Invitae), Labcorp
Classification: Uncertain significance for Fanconi anemia. Last evaluated: 2022-10-31. Review status: criteria provided, single submitter. Criteria: Invitae Variant Classification Sherloc (09022015). Collection method: clinical testing. Allele origin: germline.
Comment: This sequence change falls in intron 17 of the FANCI gene. It does not directly change the encoded amino acid sequence of the FANCI protein. It affects a nucleotide within the consensus splice site. This variant is present in population databases (rs762886638, gnomAD 0.007%). This variant has not been reported in the literature in individuals affected with FANCI-related conditions. ClinVar contains an entry for this variant (Variation ID: 1014452). Variants that disrupt the consensus splice site are a relatively common cause of aberrant splicing (PMID: 17576681, 9536098). Algorithms developed to predict the effect of sequence changes on RNA splicing suggest that this variant may create or strengthen a splice site. In summary, the available evidence is currently insufficient to determine the role of this variant in disease. Therefore, it has been classified as a Variant of Uncertain Significance.

Fulgent Genetics
Classification: Uncertain significance for Fanconi anemia complementation group I. Last evaluated: 2021-11-22. Review status: criteria provided, single submitter. Criteria: ACMG Guidelines, 2015. Collection method: clinical testing. Allele origin: unknown.

Literature cited by the submitters: PubMed 17576681 (cited by Labcorp Genetics (formerly Invitae), Labcorp); PubMed 9536098 (cited by Labcorp Genetics (formerly Invitae), Labcorp).